The following is an entry in ClinVar:

NM_005186.4(CAPN1):c.897C>T (p.Gly299=)

Gene: CAPN1 (calpain 1; plus strand). Cytogenetic location: 11q13.1.
Variant type: single nucleotide variant.
Coding change: c.897C>T on transcript NM_005186.4 (MANE Select); coding-DNA position 897, C replaced by T.
Protein change: p.Gly299=; no amino-acid change (glycine 299 retained).
Molecular consequence: synonymous variant. On other transcripts: non-coding transcript variant (1).
Genome position (GRCh38, 1-based): chr11:65,188,008, C>T. VCF-style: chr11-65188008-C-T. GRCh37 (hg19) VCF-style: chr11-64955479-C-T.
Other names: p.Gly299=; c.897C>T, p.Gly299= (NM_001198868.2, NM_001198869.2); c.735C>T, p.Gly245= (NM_001198870.1).
Identifiers: ClinVar variation 1922568 (VCV001922568.7), dbSNP rs201602806, ClinGen allele CA6093219.

ClinVar aggregate classification (germline): Likely benign. Review status: criteria provided, multiple submitters, no conflicts (2 of 4 stars). 2 submissions from 2 submitters: Likely benign (2). Last evaluated 2025-07-09.

Allele frequency attached by ClinVar (database versions not stated): ESP Exome Variant Server 0.00008; 1000 Genomes Project 0.00060; 1000 Genomes Project 30x 0.00062.
gnomAD v4.1: 28 of 1,561,308 alleles (0.0018%); highest among the groups gnomAD compares: African/African-American, 0.02%; no homozygotes.

Submissions (4):

Mayo Clinic Laboratories, Mayo Clinic
Classification: Likely benign. Last evaluated: 2025-07-09. Review status: criteria provided, single submitter. Criteria: ACMG Guidelines, 2015. Collection method: clinical testing. Allele origin: germline. Observed: 1 variant allele.
Comment: BP4, BP7

Labcorp Genetics (formerly Invitae), Labcorp
Classification: Likely benign. Last evaluated: 2023-04-12. Review status: criteria provided, single submitter. Criteria: Invitae Variant Classification Sherloc (09022015). Collection method: clinical testing. Allele origin: germline.

Dr. Peter K. Rogan Lab, Western University
No classification provided (evidence only). Condition: Malignant tumor of urinary bladder. Review status: no classification provided. Collection method: in vitro. Allele origin: not applicable. Functional consequence: retained intron. Not counted in ClinVar's aggregate classification.

Dr. Peter K. Rogan Lab, Western University
No classification provided (evidence only). Condition: Clear cell carcinoma of kidney. Review status: no classification provided. Collection method: in vitro. Allele origin: not applicable. Functional consequence: retained intron. Not counted in ClinVar's aggregate classification.